The following is an entry in ClinVar:

ClinVar aggregate classification (germline): Uncertain significance (1 of 4 stars; one submission).

Conditions:
MRAP2-related disorder. Also called: MRAP2-related condition.

gnomAD v4.1: 1 of 1,614,132 alleles (0.000062%); highest among the groups gnomAD compares: East Asian, 0.0022%; no homozygotes.

Submission:

PreventionGenetics, part of Exact Sciences
Classification: Uncertain significance for MRAP2-related condition. Last evaluated: 2025-05-22. Review status: criteria provided, single submitter. Criteria: ACMG Guidelines, 2015. Collection method: clinical testing. Allele origin: germline.
Comment: The MRAP2 c.133A>C variant is predicted to result in the amino acid substitution p.Ile45Leu. To our knowledge, this variant has not been reported in the literature or in a large population database (gnomAD), indicating this variant is rare. At this time, the clinical significance of this variant is uncertain due to the absence of conclusive functional and genetic evidence.

NM_138409.4(MRAP2):c.133A>C (p.Ile45Leu)

Gene: MRAP2 (melanocortin 2 receptor accessory protein 2; plus strand). Cytogenetic location: 6q14.2.
Variant type: single nucleotide variant.
Coding change: c.133A>C on transcript NM_138409.4 (MANE Select); coding-DNA position 133, A replaced by C.
Protein change: p.Ile45Leu; replaces isoleucine 45 with leucine.
Molecular consequence: missense variant. On other transcripts: 5 prime UTR variant (1), intron variant (1).
Genome position (GRCh38, 1-based): chr6:84,062,898, A>C. VCF-style: chr6-84062898-A-C. GRCh37 (hg19) VCF-style: chr6-84772617-A-C.
Other names: c.133A>C, p.Ile45Leu (NM_001346542.2, NM_001346544.2); c.-127A>C (NM_001346543.2); c.-32+7453A>C (NM_001346541.2); short protein forms I45L.
Identifiers: ClinVar variation 4998781 (VCV004998781.1).